The following is an entry in ClinVar:

ClinVar aggregate classification (germline): Conflicting classifications of pathogenicity. Review status: criteria provided, conflicting classifications (1 of 4 stars). 2 submissions from 2 submitters: Uncertain significance (1); Likely benign (1). Last evaluated 2023-12-15.

Conditions:
Hereditary breast ovarian cancer syndrome. Also called: Hereditary breast and ovarian cancer; Hereditary breast and ovarian cancer syndrome; Hereditary breast and/or ovarian cancer syndrome; BRCA1- and BRCA2-Associated Hereditary Breast and Ovarian Cancer; Hereditary breast and ovarian cancer syndrome (HBOC); Breast and ovarian cancer. Identifiers: Orphanet 145, MedGen C0677776, MeSH D061325, MONDO:0003582. Disease mechanism: loss of function.
Hereditary cancer-predisposing syndrome. Also called: Tumor predisposition; Hereditary neoplastic syndrome; Hereditary Cancer Syndrome; Neoplastic Syndromes, Hereditary. Identifiers: Orphanet 140162, MedGen C0027672, MeSH D009386, MONDO:0015356.

Submissions (2):

Labcorp Genetics (formerly Invitae), Labcorp
Classification: Likely benign for Hereditary breast ovarian cancer syndrome. Last evaluated: 2023-12-15. Review status: criteria provided, single submitter. Criteria: Invitae Variant Classification Sherloc (09022015). Collection method: clinical testing. Allele origin: germline.

Color Diagnostics, LLC DBA Color Health
Classification: Uncertain significance for Hereditary cancer-predisposing syndrome. Last evaluated: 2020-03-16. Review status: criteria provided, single submitter. Criteria: ACMG Guidelines, 2015. Collection method: clinical testing. Allele origin: germline.
Comment: This variant causes a C to A nucleotide substitution at the -15 position of intron 3 of the BRCA1 gene. To our knowledge, functional studies have not been reported for this variant. This variant has not been reported in individuals affected with hereditary cancer in the literature. This variant has not been identified in the general population by the Genome Aggregation Database (gnomAD). The available evidence is insufficient to determine the role of this variant in disease conclusively. Therefore, this variant is classified as a Variant of Uncertain Significance.

NM_007294.4(BRCA1):c.135-15C>A

Gene: BRCA1 (BRCA1 DNA repair associated; minus strand). Cytogenetic location: 17q21.31.
Variant type: single nucleotide variant.
Coding change: c.135-15C>A on transcript NM_007294.4 (MANE Select); 15 bases into the intron before coding-DNA position 135, C replaced by A.
Molecular consequence: intron variant.
Genome position (GRCh38, 1-based): chr17:43,106,548, G>T on the plus strand (C>A on the coding strand, the complement: BRCA1 is on the minus strand). VCF-style: chr17-43106548-G-T. GRCh37 (hg19) VCF-style: chr17-41258565-G-T.
Other names: c.-54-15C>A (NM_001407953.1, NM_001407949.1, NM_001408506.1 and 58 more transcripts); c.135-15C>A (NM_001408408.1, NM_001408435.1, NM_001407647.1 and 167 more transcripts); c.-7-15C>A (NM_001408458.1, NM_001407931.1, NM_001407747.1 and 99 more transcripts); c.-218-11688C>A (NM_001407967.1, NM_001407966.1); c.-169-1592C>A (NM_001407959.1, NM_001407962.1, NM_001408512.1 and 4 more transcripts); c.81-1592C>A (NM_001408451.1); c.135-1592C>A (NM_001408475.1, NM_001407875.1, NM_001407659.1 and 21 more transcripts).
Identifiers: ClinVar variation 1172258 (VCV001172258.11), dbSNP rs397507185, ClinGen allele CA2499224630.